The following is an entry in ClinVar:

ClinVar aggregate classification (germline): Conflicting classifications of pathogenicity. Review status: criteria provided, conflicting classifications (1 of 4 stars). 4 submissions from 4 submitters: Uncertain significance (2); Likely benign (1). 1 of the submissions does not count toward it. Last evaluated 2025-05-19.

Conditions:
SRC-related disorder. Also called: SRC-related condition.

Allele frequency attached by ClinVar (database versions not stated): gnomAD exomes 0.00002; ExAC 0.00004; gnomAD 0.00015 and 0.00017; TOPMed 0.00039.
gnomAD v4.1: 107 of 1,610,314 alleles (0.0066%); highest among the groups gnomAD compares: Admixed American, 0.057%; no homozygotes.

Submissions (5):

Mayo Clinic Laboratories, Mayo Clinic
Classification: Uncertain significance. Last evaluated: 2025-05-19. Review status: criteria provided, single submitter. Criteria: ACMG Guidelines, 2015. Collection method: clinical testing. Allele origin: germline. Observed: 1 variant allele.
Comment: BP4, PP3

PreventionGenetics, part of Exact Sciences
Classification: Uncertain significance for SRC-related condition. Last evaluated: 2025-02-13. Review status: criteria provided, single submitter. Criteria: ACMG Guidelines, 2015. Collection method: clinical testing. Allele origin: germline.
Comment: The SRC c.846C>T variant is not predicted to result in an amino acid change (p.=). This variant is predicted to alter splicing based on available splicing prediction programs (SpliceAI, Jaganathan et al. 2019. PubMed ID: 30661751). To our knowledge, this variant has not been reported in the literature. This variant is reported in 0.0041% of alleles in individuals of African descent in gnomAD. At this time, the clinical significance of this variant is uncertain due to the absence of conclusive functional and genetic evidence.

Blueprint Genetics
Classification: Likely benign. Last evaluated: 2024-05-08. Review status: criteria provided, single submitter. Criteria: ACMG Guidelines, 2015. Collection method: clinical testing. Allele origin: germline.

Dr. Peter K. Rogan Lab, Western University
No classification provided (evidence only). Condition: Nonpapillary renal cell carcinoma. Review status: no classification provided. Collection method: in vitro. Allele origin: not applicable. Functional consequence: retained intron. Not counted in ClinVar's aggregate classification.

Psychiatry Genetics Yale University
No classification provided. Review status: no classification provided. Collection method: not provided. Allele origin: not provided. Not counted in ClinVar's aggregate classification.

NM_198291.3(SRC):c.846C>T (p.Gly282=)

Gene: SRC (SRC proto-oncogene, non-receptor tyrosine kinase; plus strand). Cytogenetic location: 20q11.23.
Variant type: single nucleotide variant.
Coding change: c.846C>T on transcript NM_198291.3 (MANE Select); coding-DNA position 846, C replaced by T.
Protein change: p.Gly282=; no amino-acid change (glycine 282 retained).
Molecular consequence: synonymous variant.
Genome position (GRCh38, 1-based): chr20:37,397,841, C>T. VCF-style: chr20-37397841-C-T. GRCh37 (hg19) VCF-style: chr20-36026244-C-T.
Other names: p.Gly282=; c.846C>T, p.Gly282= (NM_005417.5); c.846C>T (NM_005417.4).
Identifiers: ClinVar variation 98528 (VCV000098528.5), dbSNP rs367543242, ClinGen allele CA226021.
Genomic context (GRCh38, chr20:37,397,841, plus strand): 5'-CTGGGAGATCCCTCGGGAGTCGCTGCGGCTGGAGGTCAAGCTGGGCCAGGGCTGCTTTGG[C>T]GAGGTGTGGATGGGTAAGGCCTGGCCCCTGCCCTCGGGAGAGGCATCCACCCCCCACCCC-3'
Protein context (NP_938033.1, residues 272-292): LEVKLGQGCF[Gly282=]EVWMGTWNGT